The following is an entry in ClinVar:

ClinVar aggregate classification (germline): Likely benign. Review status: criteria provided, multiple submitters, no conflicts (2 of 4 stars). 3 submissions from 3 submitters: Likely benign (2). 1 of the submissions does not count toward it. Last evaluated 2026-04-14.

Conditions:
ABCB11-related disorder. Also called: ABCB11-related condition.
Familial intrahepatic cholestasis. Identifiers: Orphanet 284385, MedGen CN296401, MONDO:0017290.

Allele frequency attached by ClinVar (database versions not stated): gnomAD exomes below 0.00001; ExAC 0.00001; gnomAD 0.00001 and 0.00002; TOPMed 0.00003; 1000 Genomes Project 30x 0.00016; 1000 Genomes Project 0.00020.
gnomAD v4.1: 11 of 1,603,702 alleles (0.00069%); highest among the groups gnomAD compares: African/African-American, 0.013%; no homozygotes.

Submissions (3):

Genomenon, Inc
Classification: Likely benign for Familial intrahepatic cholestasis. Last evaluated: 2026-04-14. Review status: criteria provided, single submitter. Criteria: Genomenon Sequence Variant Interpretation Standards - Updated. Collection method: curation. Allele origin: germline. Affected: no.
Comment: ABCB11 c.1098C>T is a synonymous variant that retains Valine at residue 366. This variant has been reported in the published literature (PMID:16763017). It is absent or not present at a significant frequency in gnomAD. This synonymous variant is not predicted to impact splicing. In conclusion, we classify ABCB11 p.Val366= (c.1098C>T) as a likely benign variant.

Labcorp Genetics (formerly Invitae), Labcorp
Classification: Likely benign. Last evaluated: 2026-01-26. Review status: criteria provided, single submitter. Criteria: Invitae Variant Classification Sherloc (09022015). Collection method: clinical testing. Allele origin: germline.

PreventionGenetics, part of Exact Sciences
Classification: Likely benign for ABCB11-related condition. Last evaluated: 2021-07-20. Review status: no assertion criteria provided. Collection method: clinical testing. Allele origin: germline. Not counted in ClinVar's aggregate classification.
Comment: This variant is classified as likely benign based on ACMG/AMP sequence variant interpretation guidelines (Richards et al. 2015 PMID: 25741868, with internal and published modifications).

Literature cited by the submitters: PubMed 16763017 (cited by Genomenon, Inc).

NM_003742.4(ABCB11):c.1098C>T (p.Val366=)

Gene: ABCB11 (ATP binding cassette subfamily B member 11; minus strand). Cytogenetic location: 2q31.1.
Variant type: single nucleotide variant.
Coding change: c.1098C>T on transcript NM_003742.4 (MANE Select); coding-DNA position 1098, C replaced by T.
Protein change: p.Val366=; no amino-acid change (valine 366 retained).
Molecular consequence: synonymous variant.
Genome position (GRCh38, 1-based): chr2:168,979,965, G>A on the plus strand (C>T on the coding strand, the complement: ABCB11 is on the minus strand). VCF-style: chr2-168979965-G-A. GRCh37 (hg19) VCF-style: chr2-169836475-G-A.
Other names: c.1098C>T (NM_003742.2).
Identifiers: ClinVar variation 1369921 (VCV001369921.11), dbSNP rs565224768, ClinGen allele CA1951687.